The following is an entry in ClinVar:

NM_001127671.2(LIFR):c.3221A>G (p.Asp1074Gly)

Gene: LIFR (LIF receptor subunit alpha; minus strand). Cytogenetic location: 5p13.1.
Variant type: single nucleotide variant.
Coding change: c.3221A>G on transcript NM_001127671.2 (MANE Select); coding-DNA position 3221, A replaced by G.
Protein change: p.Asp1074Gly; replaces aspartic acid 1074 with glycine.
Molecular consequence: missense variant.
Genome position (GRCh38, 1-based): chr5:38,481,668, T>C on the plus strand (A>G on the coding strand, the complement: LIFR is on the minus strand). VCF-style: chr5-38481668-T-C. GRCh37 (hg19) VCF-style: chr5-38481770-T-C.
Other names: c.3221A>G, p.Asp1074Gly (NM_001364297.2, NM_002310.6); c.3188A>G, p.Asp1063Gly (NM_001364298.2); short protein forms D1074G, D1063G.
Identifiers: ClinVar variation 618197 (VCV000618197.22), dbSNP rs147058538, ClinGen allele CA3242485.
Genomic context (GRCh38, chr5:38,481,668, plus strand): 5'-TTGTTCTGAAAAAAGTTTGTAAAGGACCACCCTCCTCCATTAGATTTAGGAGAGTCTTCA[T>C]CTTTAGGAGGAATCAAAAATTGTCGGGAATTAATGGAGCATGGACTTCCAAATGAGACAA-3'
Protein context (NP_001121143.1, residues 1064-1084): NSRQFLIPPK[Asp1074Gly]EDSPKSNGGG

ClinVar aggregate classification (germline): Conflicting classifications of pathogenicity. Review status: criteria provided, conflicting classifications (1 of 4 stars). 7 submissions from 7 submitters: Uncertain significance (5); Likely benign (1). 1 of the submissions does not count toward it. Last evaluated 2025-10-15.

Conditions:
Inborn genetic diseases. Identifiers: MedGen C0950123, MeSH D030342.
Stuve-Wiedemann syndrome (STWS). Also called: Stüve-Wiedemann syndrome. Identifiers: Orphanet 3206, MedGen C0796176, MONDO:0031280.
Stüve-Wiedemann syndrome 1. Also called: STUVE-WIEDEMANN/SCHWARTZ-JAMPEL TYPE 2 SYNDROME. Identifiers: Orphanet 3206, MedGen C5676888, MONDO:0800043, OMIM 601559.

Allele frequency attached by ClinVar (database versions not stated): ExAC 0.00012; ESP Exome Variant Server 0.00015; gnomAD exomes 0.00018; gnomAD 0.00027 and 0.00029; TOPMed 0.00028.
gnomAD v4.1: 486 of 1,614,048 alleles (0.03%); highest among the groups gnomAD compares: Non-Finnish European, 0.039%; 1 homozygote.

Submissions (7):

Ambry Genetics
Classification: Uncertain significance for Inborn genetic diseases. Last evaluated: 2025-10-15. Review status: criteria provided, single submitter. Criteria: Ambry Variant Classification Scheme 2023. Collection method: clinical testing. Allele origin: germline.

Blueprint Genetics
Classification: Uncertain significance. Last evaluated: 2024-10-30. Review status: criteria provided, single submitter. Criteria: ACMG Guidelines, 2015. Collection method: clinical testing. Allele origin: germline.

Fulgent Genetics
Classification: Likely benign for Stüve-Wiedemann syndrome 1. Last evaluated: 2024-05-20. Review status: criteria provided, single submitter. Criteria: ACMG Guidelines, 2015. Collection method: clinical testing. Allele origin: germline.

Labcorp Genetics (formerly Invitae), Labcorp
Classification: Uncertain significance. Last evaluated: 2022-08-16. Review status: criteria provided, single submitter. Criteria: Invitae Variant Classification Sherloc (09022015). Collection method: clinical testing. Allele origin: germline.
Comment: This sequence change replaces aspartic acid, which is acidic and polar, with glycine, which is neutral and non-polar, at codon 1074 of the LIFR protein (p.Asp1074Gly). This variant is present in population databases (rs147058538, gnomAD 0.04%). This variant has not been reported in the literature in individuals affected with LIFR-related conditions. ClinVar contains an entry for this variant (Variation ID: 618197). Algorithms developed to predict the effect of missense changes on protein structure and function are either unavailable or do not agree on the potential impact of this missense change (SIFT: "Tolerated"; PolyPhen-2: "Probably Damaging"; Align-GVGD: "Class C35"). Algorithms developed to predict the effect of sequence changes on RNA splicing suggest that this variant may create or strengthen a splice site. In summary, the available evidence is currently insufficient to determine the role of this variant in disease. Therefore, it has been classified as a Variant of Uncertain Significance.

ARUP Laboratories, Molecular Genetics and Genomics, ARUP Laboratories
Classification: Uncertain significance. Last evaluated: 2018-05-03. Review status: criteria provided, single submitter. Criteria: ARUP Molecular Germline Variant Investigation Process. Collection method: clinical testing. Allele origin: germline.
Comment: The LIFR: p.Asp1074Gly variant (rs147058538) has not been reported in the medical literature, gene specific variation databases, nor has it been previously identified by our laboratory. This variant is listed in the Genome Aggregation Database (gnomAD) with an overall population frequency of 0.02 percent (identified on 50 out of 277,068 chromosomes). This is a missense variant in a moderately conserved nucleotide, and computational analyses (Alamut v.2.11) predict that this variant may impact splicing by creating a novel cryptic donor site weakening nearby interaction with exonic splicing enhancers. The aspartic acid at position 1074 is highly conserved up to frog considering 12 species and computational analyses of the effects of the p.Asp1074Gly variant on protein structure and function provide conflicting results (SIFT: tolerated, PolyPhen-2: probably damaging). Altogether, there is not enough evidence to classify the p.Asp1074Gly variant with certainty.

Illumina Laboratory Services, Illumina
Classification: Uncertain significance for Stüve-Wiedemann syndrome 1. Last evaluated: 2018-01-12. Review status: criteria provided, single submitter. Criteria: ICSL Variant Classification Criteria 13 December 2019. Collection method: clinical testing. Allele origin: germline.

Natera, Inc.
Classification: Uncertain significance for Stuve-Wiedemann syndrome. Last evaluated: 2020-02-11. Review status: no assertion criteria provided. Collection method: clinical testing. Allele origin: germline. Not counted in ClinVar's aggregate classification.